The following is an entry in ClinVar:

NM_004415.4(DSP):c.7899dup (p.Thr2634fs)

Gene: DSP (desmoplakin; plus strand). Cytogenetic location: 6p24.3.
Variant type: Duplication.
Coding change: c.7899dup on transcript NM_004415.4 (MANE Select); coding-DNA position 7899, one base duplicated (T; older notation c.7899dupT).
Protein change: p.Thr2634fs; shifts the reading frame from threonine 2634.
Molecular consequence: frameshift variant.
Genome position (GRCh38, 1-based): chr6:7,585,161, T duplicated; the last of 2 consecutive T bases (chr6:7,585,160-7,585,161); duplicating either gives the same sequence. VCF-style (leftmost placement, unchanged base first): chr6-7585159-A-AT. GRCh37 (hg19) VCF-style: chr6-7585392-A-AT.
Other names: c.7899dup (LRG_423t1, NM_004415.2); c.6102dup, p.Thr2035fs (NM_001008844.3); c.6570dup, p.Thr2191fs (NM_001319034.2); c.7899dupT (NM_004415.2); short protein forms T2634fs, T2035fs, T2191fs.
Identifiers: ClinVar variation 429740 (VCV000429740.7), dbSNP rs1131691561, ClinGen allele CA645369437.

ClinVar aggregate classification (germline): Pathogenic/Likely pathogenic. Review status: criteria provided, multiple submitters, no conflicts (2 of 4 stars). 3 submissions from 3 submitters: Pathogenic (1); Likely pathogenic (2). Last evaluated 2025-12-21.

Conditions:
Arrhythmogenic cardiomyopathy with wooly hair and keratoderma. Also called: PALMOPLANTAR KERATODERMA WITH LEFT VENTRICULAR CARDIOMYOPATHY AND WOOLLY HAIR; Dilated cardiomyopathy with woolly hair and keratoderma; Carvajal syndrome; Arrhythmogenic cardiomyopathy with woolly hair and keratoderma. Identifiers: Orphanet 65282, MedGen C1854063, MONDO:0011581, OMIM 605676.
Arrhythmogenic right ventricular dysplasia 8 (ARVD8). Also called: Arrhythmogenic Right Ventricular Dysplasia/Cardiomyopathy 8; ARRHYTHMOGENIC RIGHT VENTRICULAR DYSPLASIA, FAMILIAL, 8; ARRHYTHMOGENIC RIGHT VENTRICULAR CARDIOMYOPATHY 8. Identifiers: MedGen C1843896, MONDO:0011831, OMIM 607450.

Submissions (3):

Labcorp Genetics (formerly Invitae), Labcorp
Classification: Pathogenic for Arrhythmogenic cardiomyopathy with wooly hair and keratoderma; Arrhythmogenic right ventricular dysplasia 8. Last evaluated: 2025-12-21. Review status: criteria provided, single submitter. Criteria: Invitae Variant Classification Sherloc (09022015). Collection method: clinical testing. Allele origin: germline.
Comment: This sequence change creates a premature translational stop signal (p.Thr2634Tyrfs*10) in the DSP gene. While this is not anticipated to result in nonsense mediated decay, it is expected to disrupt the last 238 amino acid(s) of the DSP protein. This variant is not present in population databases (gnomAD no frequency). This variant has not been reported in the literature in individuals affected with DSP-related conditions. ClinVar contains an entry for this variant (Variation ID: 429740). This variant disrupts a region of the DSP protein in which other variant(s) (p.Glu2728Glyfs*11) have been determined to be pathogenic (internal data). This suggests that this is a clinically significant region of the protein, and that variants that disrupt it are likely to be disease-causing. For these reasons, this variant has been classified as Pathogenic.

All of Us Research Program, National Institutes of Health
Classification: Likely pathogenic for Arrhythmogenic cardiomyopathy with wooly hair and keratoderma. Last evaluated: 2023-06-08. Review status: criteria provided, single submitter. Criteria: ACMG Guidelines, 2015. Collection method: clinical testing. Allele origin: germline. Inheritance: Autosomal dominant inheritance. Observed: 1 variant allele, 1 heterozygote.
Comment: This variant inserts 1 nucleotide in exon 24 of the DSP gene, creating a frameshift and premature translation stop signal in the last exon. This variant is predicted to escape nonsense-mediated decay and be expressed as a truncated protein. Although functional studies have not been reported, this variant is expected to disrupt the plakin repeat domain C. Plakin repeat domains and downstream C-terminal sequence have been reported to be essential for interaction with intermediate filaments (PMID: 12101406, 12802069, 21756917). In addition, truncating variants occurring downstream of this variant are known to be disease-causing (ClinVar variation ID: 246676, 263803). To our knowledge, this variant has not been reported in individuals affected with cardiovascular disorders in the literature. This variant has not been identified in the general population by the Genome Aggregation Database (gnomAD). Loss of DSP function is a known mechanism of disease. Based on the available evidence, this variant is classified as Likely Pathogenic.

This study involves interpretation of variants in research participants for the purpose of population health screening. Participant phenotype was not available at the time of variant classification. Additional details can be found in publication PMID: 35346344, PMCID: PMC8962531

GeneDx
Classification: Likely pathogenic. Last evaluated: 2023-01-26. Review status: criteria provided, single submitter. Criteria: GeneDx Variant Classification Process June 2021. Collection method: clinical testing. Allele origin: germline. Affected: yes.
Comment: Frameshift variant predicted to result in protein truncation or nonsense mediated decay in a gene for which loss of function is a known mechanism of disease; Not observed at significant frequency in large population cohorts (gnomAD); Has not been previously published as pathogenic or benign to our knowledge

Literature cited by the submitters: PubMed 12101406 (cited by All of Us Research Program, National Institutes of Health); PubMed 12802069 (cited by All of Us Research Program, National Institutes of Health); PubMed 21756917 (cited by All of Us Research Program, National Institutes of Health).